The following is an entry in ClinVar:

ClinVar aggregate classification (germline): Uncertain significance (1 of 4 stars; one submission).

Submission:

Ambry Genetics
Classification: Uncertain significance. Last evaluated: 2022-12-05. Review status: criteria provided, single submitter. Criteria: Ambry Variant Classification Scheme 2023. Collection method: clinical testing. Allele origin: germline.
Comment: The p.L1339W variant (also known as c.4016T>G), located in coding exon 36 of the KIF1B gene, results from a T to G substitution at nucleotide position 4016. The leucine at codon 1339 is replaced by tryptophan, an amino acid with similar properties. This amino acid position is conserved. In addition, this alteration is predicted to be deleterious by in silico analysis. Since supporting evidence is limited at this time, the clinical significance of this alteration remains unclear.

NM_001365951.3(KIF1B):c.4154T>G (p.Leu1385Trp)

Gene: KIF1B (kinesin family member 1B; plus strand). Cytogenetic location: 1p36.22.
Variant type: single nucleotide variant.
Coding change: c.4154T>G on transcript NM_001365951.3 (MANE Select); coding-DNA position 4154, T replaced by G.
Protein change: p.Leu1385Trp; replaces leucine 1385 with tryptophan.
Molecular consequence: missense variant.
Genome position (GRCh38, 1-based): chr1:10,361,027, T>G. VCF-style: chr1-10361027-T-G. GRCh37 (hg19) VCF-style: chr1-10421085-T-G.
Other names: c.4154T>G, p.Leu1385Trp (NM_001365952.1); c.4016T>G, p.Leu1339Trp (NM_015074.3); short protein forms L1339W, L1385W.
Identifiers: ClinVar variation 2448186 (VCV002448186.2), dbSNP rs2521878808, ClinGen allele CA338316647.